The following is an entry in ClinVar:

ClinVar aggregate classification (germline): Uncertain significance (1 of 4 stars; one submission).

Conditions:
Walker-Warburg congenital muscular dystrophy. Also called: Muscular dystrophy-dystroglycanopathy, type A; Walker-Warburg syndrome. Identifiers: Orphanet 899, MedGen C0265221, MONDO:0000171.
Muscular dystrophy-dystroglycanopathy (congenital with impaired intellectual development), type B, 1. Also called: MUSCULAR DYSTROPHY, CONGENITAL, POMT1-RELATED; Muscular dystrophy-dystroglycanopathy (congenital with intellectual disability), type B1. Identifiers: MedGen C5436962, MONDO:0013159, OMIM 613155.
Autosomal recessive limb-girdle muscular dystrophy type 2K. Also called: MUSCULAR DYSTROPHY-DYSTROGLYCANOPATHY (LIMB-GIRDLE), TYPE C, 1; MUSCULAR DYSTROPHY, LIMB-GIRDLE, TYPE 2K. Identifiers: Orphanet 86812, MedGen C1836373, MONDO:0012248, OMIM 609308.

Submission:

Labcorp Genetics (formerly Invitae), Labcorp
Classification: Uncertain significance for Muscular dystrophy-dystroglycanopathy (congenital with impaired intellectual development), type B, 1; Walker-Warburg congenital muscular dystrophy; Autosomal recessive limb-girdle muscular dystrophy type 2K. Last evaluated: 2022-04-07. Review status: criteria provided, single submitter. Criteria: Invitae Variant Classification Sherloc (09022015). Collection method: clinical testing. Allele origin: germline.
Comment: In summary, the available evidence is currently insufficient to determine the role of this variant in disease. Therefore, it has been classified as a Variant of Uncertain Significance. Algorithms developed to predict the effect of missense changes on protein structure and function are either unavailable or do not agree on the potential impact of this missense change (SIFT: "Tolerated"; PolyPhen-2: "Probably Damaging"; Align-GVGD: "Class C0"). This variant has not been reported in the literature in individuals affected with POMT1-related conditions. This variant is not present in population databases (gnomAD no frequency). This sequence change replaces asparagine, which is neutral and polar, with serine, which is neutral and polar, at codon 471 of the POMT1 protein (p.Asn471Ser).

NM_001077365.2(POMT1):c.1346A>G (p.Asn449Ser)

Gene: POMT1 (protein O-mannosyltransferase 1; plus strand). Cytogenetic location: 9q34.13.
Variant type: single nucleotide variant.
Coding change: c.1346A>G on transcript NM_001077365.2 (MANE Select); coding-DNA position 1346, A replaced by G.
Protein change: p.Asn449Ser; replaces asparagine 449 with serine.
Molecular consequence: missense variant. On other transcripts: non-coding transcript variant (10).
Genome position (GRCh38, 1-based): chr9:131,518,518, A>G. VCF-style: chr9-131518518-A-G. GRCh37 (hg19) VCF-style: chr9-134393905-A-G.
Other names: c.1184A>G, p.Asn395Ser (NM_001077366.2, NM_001353194.2); c.1346A>G, p.Asn449Ser (NM_001136113.2, NM_001374690.1); c.995A>G, p.Asn332Ser (NM_001136114.2, NM_001353195.2, NM_001374691.1 and 2 more transcripts); c.1412A>G, p.Asn471Ser (NM_001353193.2, NM_007171.4); c.1256A>G, p.Asn419Ser (NM_001353196.2); c.1250A>G, p.Asn417Ser (NM_001353197.2, NM_001353198.2); c.1061A>G, p.Asn354Ser (NM_001353199.2); c.890A>G, p.Asn297Ser (NM_001353200.2); and 3 more; short protein forms N297S, N449S, N319S, N332S, N417S, N445S, N354S, N395S.
Identifiers: ClinVar variation 1980743 (VCV001980743.4), dbSNP rs2539366021, ClinGen allele CA375311464.